The following is an entry in ClinVar:

NM_004655.4(AXIN2):c.2287G>A (p.Glu763Lys)

Gene: AXIN2 (axin 2; minus strand). Cytogenetic location: 17q24.1.
Variant type: single nucleotide variant.
Coding change: c.2287G>A on transcript NM_004655.4 (MANE Select); coding-DNA position 2287, G replaced by A.
Protein change: p.Glu763Lys; replaces glutamic acid 763 with lysine.
Molecular consequence: missense variant.
Genome position (GRCh38, 1-based): chr17:65,534,030, C>T on the plus strand (G>A on the coding strand, the complement: AXIN2 is on the minus strand). VCF-style: chr17-65534030-C-T. GRCh37 (hg19) VCF-style: chr17-63530148-C-T.
Other names: c.2092G>A, p.Glu698Lys (NM_001363813.1); short protein forms E698K, E763K.
Identifiers: ClinVar variation 1789030 (VCV001789030.5), dbSNP rs2509389750, ClinGen allele CA400675586.

ClinVar aggregate classification (germline): Uncertain significance. Review status: criteria provided, multiple submitters, no conflicts (2 of 4 stars). 2 submissions from 2 submitters: Uncertain significance (2). Last evaluated 2024-01-02.

Conditions:
Hereditary cancer-predisposing syndrome. Also called: Hereditary Cancer Syndrome; Hereditary neoplastic syndrome; Tumor predisposition; Neoplastic Syndromes, Hereditary. Identifiers: Orphanet 140162, MedGen C0027672, MeSH D009386, MONDO:0015356.
Oligodontia-cancer predisposition syndrome. Also called: TOOTH AGENESIS-COLORECTAL CANCER SYNDROME. Identifiers: Orphanet 300576, MedGen C1837750, MONDO:0012075, OMIM 608615. Disease mechanism: loss of function.

Submissions (2):

Labcorp Genetics (formerly Invitae), Labcorp
Classification: Uncertain significance for Oligodontia-cancer predisposition syndrome. Last evaluated: 2024-01-02. Review status: criteria provided, single submitter. Criteria: Invitae Variant Classification Sherloc (09022015). Collection method: clinical testing. Allele origin: germline.
Comment: This sequence change replaces glutamic acid, which is acidic and polar, with lysine, which is basic and polar, at codon 763 of the AXIN2 protein (p.Glu763Lys). This variant is not present in population databases (gnomAD no frequency). This variant has not been reported in the literature in individuals affected with AXIN2-related conditions. ClinVar contains an entry for this variant (Variation ID: 1789030). Advanced modeling of protein sequence and biophysical properties (such as structural, functional, and spatial information, amino acid conservation, physicochemical variation, residue mobility, and thermodynamic stability) performed at Invitae indicates that this missense variant is expected to disrupt AXIN2 protein function with a positive predictive value of 80%. In summary, the available evidence is currently insufficient to determine the role of this variant in disease. Therefore, it has been classified as a Variant of Uncertain Significance.

Ambry Genetics
Classification: Uncertain significance for Hereditary cancer-predisposing syndrome. Last evaluated: 2021-10-02. Review status: criteria provided, single submitter. Criteria: Ambry Variant Classification Scheme 2023. Collection method: clinical testing. Allele origin: germline.
Comment: The p.E763K variant (also known as c.2287G>A), located in coding exon 9 of the AXIN2 gene, results from a G to A substitution at nucleotide position 2287. The glutamic acid at codon 763 is replaced by lysine, an amino acid with similar properties. This amino acid position is conserved. In addition, the in silico prediction for this alteration is inconclusive. Since supporting evidence is limited at this time, the clinical significance of this alteration remains unclear.